The following is an entry in ClinVar:

NM_000478.6(ALPL):c.963del (p.Lys322fs)

Gene: ALPL (alkaline phosphatase, biomineralization associated; plus strand). Cytogenetic location: 1p36.12.
Variant type: Deletion.
Coding change: c.963del on transcript NM_000478.6 (MANE Select); coding-DNA position 963, one base deleted (G; older notation c.963delG).
Protein change: p.Lys322fs; shifts the reading frame from lysine 322.
Molecular consequence: frameshift variant.
Genome position (GRCh38, 1-based): chr1:21,573,765, G deleted; the last of 2 consecutive G bases (chr1:21,573,764-21,573,765); deleting either gives the same sequence. VCF-style (leftmost placement, unchanged base first): chr1-21573763-CG-C. GRCh37 (hg19) VCF-style: chr1-21900256-CG-C.
Other names: c.798del, p.Lys267fs (NM_001127501.4); c.732del, p.Lys245fs (NM_001177520.3); c.963del, p.Lys322fs (NM_001369803.2, NM_001369804.2, NM_001369805.2); short protein forms K245fs, K267fs, K322fs.
Identifiers: ClinVar variation 551914 (VCV000551914.7), dbSNP rs1553414133, ClinGen allele CA658820989.

ClinVar aggregate classification (germline): Pathogenic. Review status: criteria provided, multiple submitters, no conflicts (2 of 4 stars). 4 submissions from 4 submitters: Pathogenic (3). 1 of the submissions does not count toward it. Last evaluated 2025-08-29.

Conditions:
Hypophosphatasia. Also called: Phosphoethanol-aminuria. Identifiers: Orphanet 436, MedGen C0020630, MeSH D007014, MONDO:0018570.
Infantile hypophosphatasia. Identifiers: Orphanet 247651, Orphanet 436, MedGen C0268412, MONDO:1010169, OMIM 241500, MONDO:0009427.
Adult hypophosphatasia. Identifiers: Orphanet 247676, Orphanet 436, MedGen C0268413, MONDO:1010154, OMIM 146300, MONDO:0007798.

Submissions (4):

Genomenon, Inc
Classification: Pathogenic for Hypophosphatasia. Last evaluated: 2025-08-29. Review status: criteria provided, single submitter. Criteria: Genomenon Sequence Variant Interpretation Standards. Collection method: curation. Allele origin: germline. Affected: yes.
Comment: ALPL p.Lys322ArgfsTer44 (c.963del) is a frameshift variant that results in the production of a truncated protein which is predicted to undergo nonsense-mediated mRNA decay. This variant has been observed in at least one proband affected with hypophosphatasia (PMID:37600704;12815606). It is absent or not present at a significant frequency in gnomAD. In conclusion, we classify ALPL p.Lys322ArgfsTer44 (c.963del) as a pathogenic variant.

Labcorp Genetics (formerly Invitae), Labcorp
Classification: Pathogenic. Last evaluated: 2025-01-23. Review status: criteria provided, single submitter. Criteria: Invitae Variant Classification Sherloc (09022015). Collection method: clinical testing. Allele origin: germline.
Comment: This sequence change creates a premature translational stop signal (p.Lys322Argfs*44) in the ALPL gene. It is expected to result in an absent or disrupted protein product. Loss-of-function variants in ALPL are known to be pathogenic (PMID: 3174660, 10679946, 32973344, 33814268). This variant is not present in population databases (gnomAD no frequency). This premature translational stop signal has been observed in individual(s) with hypophosphatasia (PMID: 12815606). ClinVar contains an entry for this variant (Variation ID: 551914). For these reasons, this variant has been classified as Pathogenic.

Baylor Genetics
Classification: Pathogenic for Adult hypophosphatasia. Last evaluated: 2023-03-11. Review status: criteria provided, single submitter. Criteria: ACMG Guidelines, 2015. Collection method: clinical testing. Allele origin: unknown.

Counsyl
Classification: Likely pathogenic for Infantile hypophosphatasia. Last evaluated: 2017-05-12. Review status: no assertion criteria provided. Collection method: clinical testing. Allele origin: unknown. Not counted in ClinVar's aggregate classification.

Literature cited by the submitters: PubMed 37600704 (cited by Genomenon, Inc); PubMed 12815606 (cited by 3 submitters); PubMed 3174660 (cited by Labcorp Genetics (formerly Invitae), Labcorp); PubMed 10679946 (cited by Labcorp Genetics (formerly Invitae), Labcorp); PubMed 32973344 (cited by Labcorp Genetics (formerly Invitae), Labcorp); PubMed 33814268 (cited by Labcorp Genetics (formerly Invitae), Labcorp).